The following is an entry in ClinVar:

ClinVar aggregate classification (germline): Benign/Likely benign. Review status: criteria provided, multiple submitters, no conflicts (2 of 4 stars). 5 submissions from 5 submitters: Benign (3); Likely benign (1). 1 of the submissions does not count toward it. Last evaluated 2026-02-03.

Conditions:
ACE-related disorder. Also called: ACE-related condition; ACE-related disorders.
Renal tubular dysgenesis. Also called: Renotubular dysgenesis. Identifiers: Orphanet 3033, MedGen C0266313, MONDO:0017609, HP:0008660.

Allele frequency attached by ClinVar (database versions not stated): 1000 Genomes Project 0.00499; 1000 Genomes Project 30x 0.00500; TOPMed 0.00924; ExAC 0.01083; gnomAD 0.01084 and 0.01121; ESP Exome Variant Server 0.01115.
gnomAD v4.1: 22,505 of 1,614,048 alleles (1.4%); highest among the groups gnomAD compares: Non-Finnish European, 1.6%; 182 homozygotes.

Submissions (5):

Labcorp Genetics (formerly Invitae), Labcorp
Classification: Benign. Last evaluated: 2026-02-03. Review status: criteria provided, single submitter. Criteria: Invitae Variant Classification Sherloc (09022015). Collection method: clinical testing. Allele origin: germline.

Blueprint Genetics
Classification: Likely benign. Last evaluated: 2024-11-27. Review status: criteria provided, single submitter. Criteria: ACMG Guidelines, 2015. Collection method: clinical testing. Allele origin: germline.

Illumina Laboratory Services, Illumina
Classification: Benign for Renal tubular dysgenesis of genetic origin. Last evaluated: 2017-04-27. Review status: criteria provided, single submitter. Criteria: ICSL Variant Classification Criteria 13 December 2019. Collection method: clinical testing. Allele origin: germline.
Comment: This variant was observed as part of a predisposition screen in an ostensibly healthy population. A literature search was performed for the gene, cDNA change, and amino acid change (where applicable). Publications were found based on this search. The evidence from the literature, in combination with allele frequency data from public databases where available, was sufficient to rule this variant out of causing disease. Therefore, this variant is classified as benign.

Breakthrough Genomics
Classification: Benign. Review status: criteria provided, single submitter. Criteria: ACMG Guidelines, 2015. Collection method: not provided. Allele origin: germline. Inheritance: Autosomal recessive inheritance. Affected: yes.

PreventionGenetics, part of Exact Sciences
Classification: Benign for ACE-related condition. Last evaluated: 2019-06-21. Review status: no assertion criteria provided. Collection method: clinical testing. Allele origin: germline. Not counted in ClinVar's aggregate classification.
Comment: This variant is classified as benign based on ACMG/AMP sequence variant interpretation guidelines (Richards et al. 2015 PMID: 25741868, with internal and published modifications).

Literature cited by the submitters: PubMed 22829467 (cited by Illumina Laboratory Services, Illumina).

NM_000789.4(ACE):c.731A>G (p.Tyr244Cys)

Gene: ACE (angiotensin I converting enzyme; plus strand). Cytogenetic location: 17q23.3.
Variant type: single nucleotide variant.
Coding change: c.731A>G on transcript NM_000789.4 (MANE Select); coding-DNA position 731, A replaced by G.
Protein change: p.Tyr244Cys; replaces tyrosine 244 with cysteine.
Molecular consequence: missense variant.
Genome position (GRCh38, 1-based): chr17:63,480,412, A>G. VCF-style: chr17-63480412-A-G. GRCh37 (hg19) VCF-style: chr17-61557773-A-G.
Other names: short protein forms Y244C.
Identifiers: ClinVar variation 890452 (VCV000890452.16), dbSNP rs3730025, ClinGen allele CA8699221.
Genomic context (GRCh38, chr17:63,480,412, plus strand): 5'-GGGCCTACTGGCGCTCCTGGTACAACTCCCCCACCTTCGAGGACGATCTGGAACACCTCT[A>G]CCAACAGCTAGAGCCCCTCTACCTGAACCTCCATGCCTTCGTCCGCCGCGCACTGCATCG-3'
Protein context (NP_000780.1, residues 234-254): PTFEDDLEHL[Tyr244Cys]QQLEPLYLNL